The following is an entry in ClinVar:

NM_004817.4(TJP2):c.61-7386A>G

Gene: TJP2 (tight junction protein 2; plus strand). Cytogenetic location: 9q21.11.
Variant type: single nucleotide variant.
Coding change: c.61-7386A>G on transcript NM_004817.4 (MANE Select); 7386 bases into the intron before coding-DNA position 61, A replaced by G.
Molecular consequence: intron variant. On other transcripts: missense variant (4), initiator codon variant (4).
Genome position (GRCh38, 1-based): chr9:69,205,162, A>G. VCF-style: chr9-69205162-A-G. GRCh37 (hg19) VCF-style: chr9-71820078-A-G.
Other names: c.1A>G, p.Met1Val (NM_001170415.1, NM_001170416.2, NM_001369874.1 and 1 more transcripts); c.-9-7386A>G (NM_001170414.2, NM_001369870.1, NM_001369871.1); c.61-7386A>G (NM_201629.3, NM_001369872.1, NM_001369873.1); short protein forms M1V.
Identifiers: ClinVar variation 5001268 (VCV005001268.1).

ClinVar aggregate classification (germline): Uncertain significance (1 of 4 stars; one submission).

Conditions:
TJP2-related disorder. Also called: TJP2-related condition.

gnomAD v4.1: 7 of 1,537,282 alleles (0.00046%); highest among the groups gnomAD compares: South Asian, 0.0012%; no homozygotes.

Submission:

PreventionGenetics, part of Exact Sciences
Classification: Uncertain significance for TJP2-related condition. Last evaluated: 2024-11-21. Review status: criteria provided, single submitter. Criteria: ACMG Guidelines, 2015. Collection method: clinical testing. Allele origin: germline.
Comment: The TJP2 c.1A>G variant is predicted to disrupt the translation initiation site (p.Met1?). To our knowledge, this variant has not been reported in the literature. This variant is reported in 0.0044% of alleles in individuals of South Asian descent in gnomAD. At this time, the clinical significance of this variant is uncertain due to the absence of conclusive functional and genetic evidence.